The following is an entry in ClinVar:

ClinVar aggregate classification (germline): Uncertain significance (1 of 4 stars; one submission).

Conditions:
Hyper-IgM syndrome type 5 (HIGM5). Also called: Hyper-IgM Immunodeficiency Syndrome, Type 5. Identifiers: Orphanet 101092, MedGen C1720958, MONDO:0011971, OMIM 608106.

Allele frequency attached by ClinVar (database versions not stated): TOPMed below 0.00001; ExAC 0.00001; gnomAD 0.00001; gnomAD exomes 0.00001 and 0.00002.
gnomAD v4.1: 10 of 1,613,990 alleles (0.00062%); highest among the groups gnomAD compares: African/African-American, 0.0013%; no homozygotes.

Submission:

Labcorp Genetics (formerly Invitae), Labcorp
Classification: Uncertain significance for Hyper-IgM syndrome type 5. Last evaluated: 2022-08-16. Review status: criteria provided, single submitter. Criteria: Invitae Variant Classification Sherloc (09022015). Collection method: clinical testing. Allele origin: germline.
Comment: This sequence change replaces proline, which is neutral and non-polar, with leucine, which is neutral and non-polar, at codon 280 of the UNG protein (p.Pro280Leu). This variant is present in population databases (rs202127223, gnomAD 0.004%). This variant has not been reported in the literature in individuals affected with UNG-related conditions. ClinVar contains an entry for this variant (Variation ID: 949220). Algorithms developed to predict the effect of missense changes on protein structure and function are either unavailable or do not agree on the potential impact of this missense change (SIFT: "Deleterious"; PolyPhen-2: "Probably Damaging"; Align-GVGD: "Class C0"). In summary, the available evidence is currently insufficient to determine the role of this variant in disease. Therefore, it has been classified as a Variant of Uncertain Significance.

NM_080911.3(UNG):c.839C>T (p.Pro280Leu)

Gene: UNG (uracil DNA glycosylase; plus strand). Cytogenetic location: 12q24.11.
Variant type: single nucleotide variant.
Coding change: c.839C>T on transcript NM_080911.3 (MANE Select); coding-DNA position 839, C replaced by T.
Protein change: p.Pro280Leu; replaces proline 280 with leucine.
Molecular consequence: missense variant.
Genome position (GRCh38, 1-based): chr12:109,109,866, C>T. VCF-style: chr12-109109866-C-T. GRCh37 (hg19) VCF-style: chr12-109547671-C-T.
Other names: c.812C>T, p.Pro271Leu (NM_003362.4); short protein forms P280L, P271L.
Identifiers: ClinVar variation 949220 (VCV000949220.7), dbSNP rs202127223, ClinGen allele CA6772811.